The following is an entry in ClinVar:

NM_024529.5(CDC73):c.326A>T (p.Asp109Val)

Gene: CDC73 (cell division cycle 73; plus strand). Cytogenetic location: 1q31.2.
Variant type: single nucleotide variant.
Coding change: c.326A>T on transcript NM_024529.5 (MANE Select); coding-DNA position 326, A replaced by T.
Protein change: p.Asp109Val; replaces aspartic acid 109 with valine.
Molecular consequence: missense variant.
Genome position (GRCh38, 1-based): chr1:193,135,409, A>T. VCF-style: chr1-193135409-A-T. GRCh37 (hg19) VCF-style: chr1-193104539-A-T.
Other names: short protein forms D109V.
Identifiers: ClinVar variation 2719362 (VCV002719362.3), dbSNP rs2527311825, ClinGen allele CA343960351.
Genomic context (GRCh38, chr1:193,135,409, plus strand): 5'-GTTGAAATAGTAATCCTTACGTGAATCTTTTTATGTCTTCAGCAACATCGGCAAGTATAG[A>T]CAGAAGCGCTCCCTTAGAAATAGGTCTTCAGCGATCTACTCAAGGTATGTCTTGTTGCAT-3'
Protein context (NP_078805.3, residues 99-119): NGEASTSASI[Asp109Val]RSAPLEIGLQ

ClinVar aggregate classification (germline): Uncertain significance (1 of 4 stars; one submission).

Conditions:
Parathyroid carcinoma (PRTC). Also called: CDC73-Related Parathyroid Carcinoma; Parathyroid gland carcinoma. Identifiers: Orphanet 143, MedGen C0687150, MONDO:0012004, OMIM 608266, HP:0006780.

Submission:

Labcorp Genetics (formerly Invitae), Labcorp
Classification: Uncertain significance for Parathyroid carcinoma. Last evaluated: 2023-06-19. Review status: criteria provided, single submitter. Criteria: Invitae Variant Classification Sherloc (09022015). Collection method: clinical testing. Allele origin: germline.
Comment: This variant is not present in population databases (gnomAD no frequency). This variant has not been reported in the literature in individuals affected with CDC73-related conditions. Advanced modeling of protein sequence and biophysical properties (such as structural, functional, and spatial information, amino acid conservation, physicochemical variation, residue mobility, and thermodynamic stability) has been performed at Invitae for this missense variant, however the output from this modeling did not meet the statistical confidence thresholds required to predict the impact of this variant on CDC73 protein function. In summary, the available evidence is currently insufficient to determine the role of this variant in disease. Therefore, it has been classified as a Variant of Uncertain Significance. This sequence change replaces aspartic acid, which is acidic and polar, with valine, which is neutral and non-polar, at codon 109 of the CDC73 protein (p.Asp109Val).